The following is an entry in ClinVar:

ClinVar aggregate classification (germline): Likely benign (0 of 4 stars; one submission).

Conditions:
GUCY2D-related disorder. Also called: GUCY2D-related condition.

gnomAD v4.1: 1 of 1,494,866 alleles (0.000067%); highest among the groups gnomAD compares: Non-Finnish European, 0.000089%; no homozygotes.

Submission:

PreventionGenetics, part of Exact Sciences
Classification: Likely benign for GUCY2D-related condition. Last evaluated: 2020-08-03. Review status: no assertion criteria provided. Collection method: clinical testing. Allele origin: germline.
Comment: This variant is classified as likely benign based on ACMG/AMP sequence variant interpretation guidelines (Richards et al. 2015 PMID: 25741868, with internal and published modifications).

NM_000180.4(GUCY2D):c.360C>T (p.Arg120=)

Gene: GUCY2D (guanylate cyclase 2D, retinal; plus strand). Cytogenetic location: 17p13.1.
Variant type: single nucleotide variant.
Coding change: c.360C>T on transcript NM_000180.4 (MANE Select); coding-DNA position 360, C replaced by T.
Protein change: p.Arg120=; no amino-acid change (arginine 120 retained).
Molecular consequence: synonymous variant.
Genome position (GRCh38, 1-based): chr17:8,003,407, C>T. VCF-style: chr17-8003407-C-T. GRCh37 (hg19) VCF-style: chr17-7906725-C-T.
Identifiers: ClinVar variation 3036611 (VCV003036611.2), dbSNP rs2545417805, ClinGen allele CA497953371.